The following is an entry in ClinVar:

NM_025114.4(CEP290):c.3814C>T (p.Arg1272Ter)

Gene: CEP290 (centrosomal protein 290; minus strand). Cytogenetic location: 12q21.32.
Variant type: single nucleotide variant.
Coding change: c.3814C>T on transcript NM_025114.4 (MANE Select); coding-DNA position 3814, C replaced by T.
Protein change: p.Arg1272Ter; replaces arginine 1272 with a stop codon.
Molecular consequence: nonsense.
Genome position (GRCh38, 1-based): chr12:88,089,247, G>A on the plus strand (C>T on the coding strand, the complement: CEP290 is on the minus strand). VCF-style: chr12-88089247-G-A. GRCh37 (hg19) VCF-style: chr12-88483024-G-A.
Other names: NM_025114.4(CEP290):c.3814C>T; p.Arg1272Ter; short protein forms R1272*.
Identifiers: ClinVar variation 99852 (VCV000099852.28), dbSNP rs62640581, ClinGen allele CA227967.

ClinVar aggregate classification (germline): Pathogenic. Review status: reviewed by expert panel (3 of 4 stars). 12 submissions from 12 submitters: Pathogenic (1). 11 of the submissions do not count toward it. Last evaluated 2026-07-20.

Conditions:
CEP290-related ciliopathy. Also called: CEP290 ciliopathy. Identifiers: MedGen CN305601, MONDO:0100451.
CEP290-related disorder. Also called: CEP290-related condition; CEP290-related disorders. Identifiers: MedGen CN239314.
Joubert syndrome 5 (JBTS5). Identifiers: Orphanet 2318, MedGen C1857780, MONDO:0012432, OMIM 610188.
Leber congenital amaurosis 10 (LCA10). Identifiers: Orphanet 65, MedGen C1857821, MONDO:0012723, OMIM 611755.
Senior-Loken syndrome 6 (SLSN6). Identifiers: Orphanet 3156, MedGen C1857779, MONDO:0012433, OMIM 610189.
Meckel syndrome, type 4 (MKS4). Also called: MECKEL-GRUBER SYNDROME, TYPE 4. Identifiers: Orphanet 564, MedGen C1970161, MONDO:0012626, OMIM 611134.
Bardet-Biedl syndrome 14 (BBS14). Identifiers: Orphanet 110, MedGen C2673874, MONDO:0014442, OMIM 615991.
Meckel-Gruber syndrome. Also called: DYSENCEPHALIA SPLANCHNOCYSTICA; GRUBER SYNDROME; Dysencephalia splachnocystica. Identifiers: Orphanet 564, MedGen C0265215, MONDO:0018921.
Joubert syndrome. Also called: Familial aplasia of the vermis; JOUBERT-BOLTSHAUSER SYNDROME. Identifiers: Orphanet 475, MedGen C5979921, MONDO:0018772.
Nephronophthisis. Also called: Juvenile Nephronophthisis. Identifiers: Orphanet 655, MedGen C0687120, MONDO:0019005, HP:0000090.
Leber congenital amaurosis (LCA). Also called: Leber's amaurosis. Identifiers: Orphanet 65, MedGen C0339527, MeSH D057130, MONDO:0018998.

Allele frequency attached by ClinVar (database versions not stated): gnomAD exomes 0.00001; TOPMed 0.00002.
gnomAD v4.1: 7 of 1,613,788 alleles (0.00043%); highest among the groups gnomAD compares: East Asian, 0.0045%; no homozygotes.

Submissions (12):

ClinGen Leber Congenital Amaurosis/early Onset Retinal Dystrophy Variant Curation Expert Panel, ClinGen
Classification: Pathogenic for CEP290-related ciliopathy. Last evaluated: 2026-07-20. Review status: reviewed by expert panel. Criteria: ClinGen LCAeoRD ACMG Specifications CEP290 V1.0.0. Collection method: curation. Allele origin: germline. Inheritance: Autosomal recessive inheritance.
Comment: NM_025114.4(CEP290):c.3814C>T (p.Arg1272Ter) is a nonsense variant that introduces a premature stop codon into exon 31 of 54 and is predicted to lead to nonsense-mediated decay in a gene in which loss-of-function is an established mechanism of disease (PVS1). This variant is present in gnomAD v4.1.1 at a total allele frequency of 0.000004, with 7 alleles /1613788 total alleles, which is lower than the ClinGen LCA/eoRD VCEP PM2_Supporting threshold of <0.0006 (PM2_Supporting). This variant has also been reported in at least 1 proband with early-onset severe retinal dystrophy who was compound heterozygous with the c.2991+1655A>G variant confirmed in trans (1 point, PMID: 16909394), which was previously classified pathogenic by the ClinGen LCA/eoRD VCEP (1 total point, PM3). At least one proband harboring this variant exhibits a phenotype including diagnosis of LCA (0.5 pts). In summary, this variant meets the criteria to be classified as Pathogenic for CEP290-related ciliopathy based on the ACMG/AMP criteria applied, as specified by the ClinGen LCA/eoRD VCEP: PVS1, PM3, PP4, and PM2_Supporting. (LCA/eoRD VCEP Specifications for CEP290 Version 1.0.0)

PreventionGenetics, part of Exact Sciences
Classification: Pathogenic for CEP290-related condition. Last evaluated: 2025-06-12. Review status: criteria provided, single submitter. Criteria: ACMG Guidelines, 2015. Collection method: clinical testing. Allele origin: germline. Not counted in ClinVar's aggregate classification.
Comment: The CEP290 c.3814C>T variant is predicted to result in premature protein termination (p.Arg1272*). This variant has been reported in the compound heterozygous state in an individual with Leber congenital amaurosis (den Hollander et al. 2006. PubMed ID: 16909394). This variant has not been reported in a large population database (gnomAD), indicating this variant is rare. Nonsense variants in CEP290 are expected to be pathogenic. This variant is interpreted as pathogenic.

GeneDx
Classification: Pathogenic. Last evaluated: 2025-01-23. Review status: criteria provided, single submitter. Criteria: GeneDx Variant Classification Process June 2021. Collection method: clinical testing. Allele origin: germline. Affected: yes. Not counted in ClinVar's aggregate classification.
Comment: Nonsense variant predicted to result in protein truncation or nonsense mediated decay in a gene for which loss of function is a known mechanism of disease; Not observed at significant frequency in large population cohorts (gnomAD); This variant is associated with the following publications: (PMID: 22355252, 37327085, 25525159, 38167091, 16909394)

Natera, Inc.
Classification: Pathogenic for Leber congenital amaurosis. Last evaluated: 2025-01-14. Review status: criteria provided, single submitter. Criteria: Natera Variant Classification Schema (03/2026). Collection method: clinical testing. Allele origin: germline. Not counted in ClinVar's aggregate classification.
Comment: The c.3814C>T variant in CEP290 is a nonsense variant predicted to introduce a stop codon at amino acid 1272. This variant is expected to result in nonsense mediated decay, truncation, or a dysfunctional protein product. This variant is rare in the general population with a frequency below the threshold expected for the associated phenotype(s). This variant has been observed in one or more individuals affected with the associated recessive disease, as either homozygous or compound heterozygous with a second variant (PMID: 16909394, 17564967). Given the available evidence, this variant is classified as Pathogenic.

Fulgent Genetics
Classification: Pathogenic for Joubert syndrome 5; Senior-Loken syndrome 6; Meckel syndrome, type 4; Leber congenital amaurosis 10; Bardet-Biedl syndrome 14. Last evaluated: 2024-06-07. Review status: criteria provided, single submitter. Criteria: ACMG Guidelines, 2015. Collection method: clinical testing. Allele origin: germline. Not counted in ClinVar's aggregate classification.

Myriad Genetics, Inc.
Classification: Pathogenic for CEP290-related ciliopathy. Last evaluated: 2024-05-11. Review status: criteria provided, single submitter. Criteria: Myriad Autosomal Dominant, Autosomal Recessive and X-Linked Classification Criteria (2023). Collection method: clinical testing. Allele origin: unknown. Not counted in ClinVar's aggregate classification.
Comment: NM_025114.3(CEP290):c.3814C>T(R1272*) is expected to be pathogenic in the context of CEP290-related disorders. This variant is predicted to lead to an abnormal or absent protein product due to the creation of a premature termination codon in CEP290, a gene where loss-of-function variants are known to be pathogenic. Please note: this variant was assessed in the context of healthy population screening.

Baylor Genetics
Classification: Pathogenic for Bardet-Biedl syndrome 14. Last evaluated: 2024-03-07. Review status: criteria provided, single submitter. Criteria: ACMG Guidelines, 2015. Collection method: clinical testing. Allele origin: unknown. Not counted in ClinVar's aggregate classification.

Labcorp Genetics (formerly Invitae), Labcorp
Classification: Pathogenic for Joubert syndrome; Meckel-Gruber syndrome; Nephronophthisis. Last evaluated: 2023-10-16. Review status: criteria provided, single submitter. Criteria: Invitae Variant Classification Sherloc (09022015). Collection method: clinical testing. Allele origin: germline. Not counted in ClinVar's aggregate classification.
Comment: This sequence change creates a premature translational stop signal (p.Arg1272*) in the CEP290 gene. It is expected to result in an absent or disrupted protein product. Loss-of-function variants in CEP290 are known to be pathogenic (PMID: 16909394, 17345604, 20690115). This variant is not present in population databases (gnomAD no frequency). This premature translational stop signal has been observed in individual(s) with Leber congenital amaurosis (PMID: 16909394). In at least one individual the data is consistent with being in trans (on the opposite chromosome) from a pathogenic variant. ClinVar contains an entry for this variant (Variation ID: 99852). For these reasons, this variant has been classified as Pathogenic.

Revvity Omics, Revvity
Classification: Pathogenic. Last evaluated: 2022-12-02. Review status: criteria provided, single submitter. Criteria: ACMG Guidelines, 2015. Collection method: clinical testing. Allele origin: germline. Not counted in ClinVar's aggregate classification.

Centre for Mendelian Genomics, University Medical Centre Ljubljana
Classification: Pathogenic for Joubert syndrome 5. Last evaluated: 2019-02-12. Review status: criteria provided, single submitter. Criteria: ACMG Guidelines, 2015. Collection method: clinical testing. Allele origin: unknown. Affected: yes. Not counted in ClinVar's aggregate classification.
Comment: This variant was classified as: Pathogenic. The following ACMG criteria were applied in classifying this variant: PVS1,PM2,PP3.

Juno Genomics, Hangzhou Juno Genomics, Inc
Classification: Pathogenic for Senior-Loken syndrome 6; Bardet-Biedl syndrome 14; Joubert syndrome 5; Leber congenital amaurosis 10; Meckel syndrome, type 4. Review status: criteria provided, single submitter. Criteria: ACMG Guidelines, 2015. Collection method: clinical testing. Allele origin: germline. Not counted in ClinVar's aggregate classification.
Comment: Null variant in a gene where loss of function (LOF) is a known mechanism of disease.;Absent from controls (or at extremely low frequency if recessive) in Genome Aggregation Database.;For recessive disorders, detected in trans with a pathogenic variant.;Patient's phenotype or family history is highly specific for a disease with a single genetic etiology.

Retina International
No classification provided. Review status: no classification provided. Collection method: not provided. Allele origin: not provided. Not counted in ClinVar's aggregate classification.

Literature cited by the submitters: PubMed 16909394 (cited by Natera, Inc. and Labcorp Genetics (formerly Invitae), Labcorp); PubMed 17564967 (cited by Natera, Inc.); PubMed 17345604 (cited by Labcorp Genetics (formerly Invitae), Labcorp); PubMed 20690115 (cited by Labcorp Genetics (formerly Invitae), Labcorp).